The following is an entry in ClinVar:

GRCh38/hg38 9p24.3-q21.11(chr9:1-67800000)x3

Genes: ACER2 (alkaline ceramidase 2; plus strand), ACO1 (aconitase 1; plus strand), ADAMTSL1 (ADAMTS like 1; plus strand), AK3 (adenylate kinase 3; minus strand), ALDH1B1 (aldehyde dehydrogenase 1 family member B1; plus strand) and 1002 more. Cytogenetic location: 9p24.3-q21.11.
Variant type: copy number gain.
Change: copy number 3 (three copies instead of two) of chr9:1-67,800,000 (67.80 Mb, GRCh38 coordinates, 1-based), cytogenetic band 9p24.3-q21.11.
Identifiers: ClinVar variation 4888395 (VCV004888395.1).

ClinVar aggregate classification (germline): Pathogenic (1 of 4 stars; one submission).

Conditions:
Mosaic Trisomy/Tetrasomy of chromosome 9p.

Submission:

New York Genome Center
Classification: Pathogenic for Mosaic Trisomy/Tetrasomy of chromosome 9p. Last evaluated: 2024-02-16. Review status: criteria provided, single submitter. Criteria: NYGC Assertion Criteria 2020. Collection method: clinical testing. Allele origin: de novo. Affected: yes. Observed: 1 variant allele, 1 heterozygote, 1 mosaic individual.
Comment: A de novo ~68Mb mosaic terminal gain on chromosome 9 starting from 9pter (9p24.3) and extending across the centromere to 9q21.11 was detected. This finding may represent the presence of a mosaic supernumerary chromosome 9p (resulting in trisomy 9p), or an isochromosome 9p [i(9p), resulting in tetrasomy9p. Trisomy 9p is associated with abnormal psychomotor development, craniofacial abnormalities, congenital heart disease, skeletal, central nervous system and renalabnormalities [PMID: 31560494]. Tetrasomy 9p is associated with clinical features of intrauterine growth restriction, developmental delay, ventriculomegaly,Dandy–Walker malformation, facial dysmorphism, congenital heart defects, hypoplasia of the digits and nails, joint dislocations, and genitourinary and renalanomalies [PMID: 24767652, 31523615]. This finding is classified as pathogenic.